The following is an entry in ClinVar:

NM_001360.3(DHCR7):c.615C>T (p.Ser205=)

Gene: DHCR7 (7-dehydrocholesterol reductase; minus strand). Cytogenetic location: 11q13.4.
Variant type: single nucleotide variant.
Coding change: c.615C>T on transcript NM_001360.3 (MANE Select); coding-DNA position 615, C replaced by T.
Protein change: p.Ser205=; no amino-acid change (serine 205 retained).
Molecular consequence: synonymous variant.
Genome position (GRCh38, 1-based): chr11:71,441,238, G>A on the plus strand (C>T on the coding strand, the complement: DHCR7 is on the minus strand). VCF-style: chr11-71441238-G-A. GRCh37 (hg19) VCF-style: chr11-71152284-G-A.
Other names: c.615C>T, p.Ser205= (NM_001163817.2); c.615C>T (NM_001360.2).
Identifiers: ClinVar variation 595316 (VCV000595316.15), dbSNP rs561379509, ClinGen allele CA6162524.

ClinVar aggregate classification (germline): Conflicting classifications of pathogenicity. Review status: criteria provided, conflicting classifications (1 of 4 stars). 4 submissions from 4 submitters: Uncertain significance (1); Likely benign (3). Last evaluated 2025-12-23.

Conditions:
Smith-Lemli-Opitz syndrome (SLOS). Also called: POLYDACTYLY, SEX REVERSAL, RENAL HYPOPLASIA, AND UNILOBAR LUNG; RSH SYNDROME; RUTLEDGE LETHAL MULTIPLE CONGENITAL ANOMALY SYNDROME; 7-Dehydrocholesterol reductase deficiency; LETHAL ACRODYSGENITAL SYNDROME. Identifiers: Orphanet 818, MedGen C0175694, MONDO:0010035, OMIM 270400.
DHCR7-related disorder. Also called: DHCR7-related condition.
Inborn genetic diseases. Identifiers: MedGen C0950123, MeSH D030342.

Allele frequency attached by ClinVar (database versions not stated): ExAC 0.00001; gnomAD exomes 0.00001; TOPMed 0.00001; gnomAD 0.00010 and 0.00011; 1000 Genomes Project 30x 0.00016; 1000 Genomes Project 0.00020.

Submissions (4):

Labcorp Genetics (formerly Invitae), Labcorp
Classification: Likely benign for Smith-Lemli-Opitz syndrome. Last evaluated: 2025-12-23. Review status: criteria provided, single submitter. Criteria: Invitae Variant Classification Sherloc (09022015). Collection method: clinical testing. Allele origin: germline.

PreventionGenetics, part of Exact Sciences
Classification: Likely benign for DHCR7-related condition. Last evaluated: 2024-12-27. Review status: criteria provided, single submitter. Criteria: ACMG Guidelines, 2015. Collection method: clinical testing. Allele origin: germline.
Comment: This variant is classified as likely benign based on ACMG/AMP sequence variant interpretation guidelines (Richards et al. 2015 PMID: 25741868, with internal and published modifications).

Ambry Genetics
Classification: Likely benign for Inborn genetic diseases. Last evaluated: 2024-02-10. Review status: criteria provided, single submitter. Criteria: Ambry Variant Classification Scheme 2023. Collection method: clinical testing. Allele origin: germline.

Eurofins Ntd Llc (ga)
Classification: Uncertain significance. Last evaluated: 2017-12-08. Review status: criteria provided, single submitter. Criteria: EGL Classification Definitions 2015. Collection method: clinical testing. Allele origin: germline. Observed: 1 variant allele, 1 heterozygote.